The following is an entry in ClinVar:

NM_004977.3(KCNC3):c.98C>A (p.Pro33Gln)

Genes: KCNC3 (potassium voltage-gated channel subfamily C member 3; minus strand), LOC111811967 (Sharpr-MPRA regulatory region 11330/13384; plus strand). Cytogenetic location: 19q13.33.
Variant type: single nucleotide variant.
Coding change: c.98C>A on transcript NM_004977.3 (MANE Select); coding-DNA position 98, C replaced by A.
Protein change: p.Pro33Gln; replaces proline 33 with glutamine.
Molecular consequence: missense variant. On other transcripts: 5 prime UTR variant (1).
Genome position (GRCh38, 1-based): chr19:50,328,985, G>T on the plus strand (C>A on the coding strand, the complement: KCNC3 is on the minus strand). VCF-style: chr19-50328985-G-T. GRCh37 (hg19) VCF-style: chr19-50832242-G-T.
Other names: c.-131C>A (NM_001372305.1); short protein forms P33Q.
Identifiers: ClinVar variation 2990124 (VCV002990124.3), dbSNP rs1428546180, ClinGen allele CA406956731.
Genomic context (GRCh38, chr19:50,328,985, plus strand): 5'-GCCGGGGACGCGGCGGGGCCGGGCTGCGCAGGCTGCTGCTGCTGCGGCGGCAGCGGTGGC[G>T]GCGGCGGGGACTCGGGCGGCTGCGGCGGTGGCGCCGGCTGCTGCTTGCTGGCCCCCTGGC-3'
Protein context (NP_004968.2, residues 23-43): PPPQPPESPP[Pro33Gln]PPLPPQQQQP

ClinVar aggregate classification (germline): Uncertain significance (1 of 4 stars; one submission).

Submission:

Labcorp Genetics (formerly Invitae), Labcorp
Classification: Uncertain significance. Last evaluated: 2023-09-27. Review status: criteria provided, single submitter. Criteria: Invitae Variant Classification Sherloc (09022015). Collection method: clinical testing. Allele origin: germline.
Comment: This sequence change replaces proline, which is neutral and non-polar, with glutamine, which is neutral and polar, at codon 33 of the KCNC3 protein (p.Pro33Gln). The frequency data for this variant in the population databases is considered unreliable, as metrics indicate insufficient coverage at this position in the gnomAD database. This variant has not been reported in the literature in individuals affected with KCNC3-related conditions. Advanced modeling of protein sequence and biophysical properties (such as structural, functional, and spatial information, amino acid conservation, physicochemical variation, residue mobility, and thermodynamic stability) performed at Invitae indicates that this missense variant is not expected to disrupt KCNC3 protein function. In summary, the available evidence is currently insufficient to determine the role of this variant in disease. Therefore, it has been classified as a Variant of Uncertain Significance.